The following is an entry in ClinVar:

ClinVar aggregate classification (germline): Uncertain significance (1 of 4 stars; one submission).

Submission:

Labcorp Genetics (formerly Invitae), Labcorp
Classification: Uncertain significance. Last evaluated: 2022-06-17. Review status: criteria provided, single submitter. Criteria: Invitae Variant Classification Sherloc (09022015). Collection method: clinical testing. Allele origin: germline.
Comment: In summary, the available evidence is currently insufficient to determine the role of this variant in disease. Therefore, it has been classified as a Variant of Uncertain Significance. Algorithms developed to predict the effect of missense changes on protein structure and function are either unavailable or do not agree on the potential impact of this missense change (SIFT: "Not Available"; PolyPhen-2: "Benign"; Align-GVGD: "Not Available"). This variant is not present in population databases (gnomAD no frequency). This variant has not been reported in the literature in individuals affected with TULP1-related conditions. This sequence change replaces serine, which is neutral and polar, with tyrosine, which is neutral and polar, at codon 51 of the TULP1 protein (p.Ser51Tyr).

NM_003322.6(TULP1):c.152C>A (p.Ser51Tyr)

Gene: TULP1 (TUB like protein 1; minus strand). Cytogenetic location: 6p21.31.
Variant type: single nucleotide variant.
Coding change: c.152C>A on transcript NM_003322.6 (MANE Select); coding-DNA position 152, C replaced by A.
Protein change: p.Ser51Tyr; replaces serine 51 with tyrosine.
Molecular consequence: missense variant.
Genome position (GRCh38, 1-based): chr6:35,512,218, G>T on the plus strand (C>A on the coding strand, the complement: TULP1 is on the minus strand). VCF-style: chr6-35512218-G-T. GRCh37 (hg19) VCF-style: chr6-35479995-G-T.
Other names: c.152C>A, p.Ser51Tyr (NM_001289395.2); short protein forms S51Y.
Identifiers: ClinVar variation 1914466 (VCV001914466.5), dbSNP rs1323166247, ClinGen allele CA363784991.